The following is an entry in ClinVar:

NM_173598.6(KSR2):c.629G>A (p.Cys210Tyr)

Gene: KSR2 (kinase suppressor of ras 2; minus strand). Cytogenetic location: 12q24.23.
Variant type: single nucleotide variant.
Coding change: c.629G>A on transcript NM_173598.6 (MANE Select); coding-DNA position 629, G replaced by A.
Protein change: p.Cys210Tyr; replaces cysteine 210 with tyrosine.
Molecular consequence: missense variant.
Genome position (GRCh38, 1-based): chr12:117,761,368, C>T on the plus strand (G>A on the coding strand, the complement: KSR2 is on the minus strand). VCF-style: chr12-117761368-C-T. GRCh37 (hg19) VCF-style: chr12-118199173-C-T.
Other names: short protein forms C210Y.
Identifiers: ClinVar variation 3344193 (VCV003344193.1).

ClinVar aggregate classification (germline): Uncertain significance (0 of 4 stars; one submission).

Conditions:
KSR2-related disorder. Also called: KSR2-related condition.

gnomAD v4.1: 1 of 1,598,492 alleles (0.000063%); no homozygotes.

Submission:

PreventionGenetics, part of Exact Sciences
Classification: Uncertain significance for KSR2-related condition. Last evaluated: 2024-04-12. Review status: no assertion criteria provided. Collection method: clinical testing. Allele origin: germline.
Comment: The KSR2 c.542G>A variant is predicted to result in the amino acid substitution p.Cys181Tyr. To our knowledge, this variant has not been reported in the literature or in a large population database, indicating this variant is rare. At this time, the clinical significance of this variant is uncertain due to the absence of conclusive functional and genetic evidence.